The following is an entry in ClinVar:

ClinVar aggregate classification (germline): Pathogenic. Review status: criteria provided, multiple submitters, no conflicts (2 of 4 stars). 2 submissions from 2 submitters: Pathogenic (2). Last evaluated 2023-11-30.

Conditions:
Neurofibromatosis, type 1 (NF1). Also called: VON RECKLINGHAUSEN DISEASE; Peripheral type neurofibromatosis; Neurofibromatosis, type I; NEUROFIBROMATOSIS, TYPE I, SOMATIC. Identifiers: Orphanet 636, MedGen C0027831, MONDO:0018975, OMIM 162200. Disease mechanism: loss of function.

Submissions (2):

GeneDx
Classification: Pathogenic. Last evaluated: 2023-11-30. Review status: criteria provided, single submitter. Criteria: GeneDx Variant Classification Process June 2021. Collection method: clinical testing. Allele origin: germline. Affected: yes.
Comment: Nonsense variant predicted to result in protein truncation or nonsense mediated decay in a gene for which loss of function is a known mechanism of disease; Not observed at significant frequency in large population cohorts (gnomAD)

Labcorp Genetics (formerly Invitae), Labcorp
Classification: Pathogenic for Neurofibromatosis, type 1. Last evaluated: 2022-12-27. Review status: criteria provided, single submitter. Criteria: Invitae Variant Classification Sherloc (09022015). Collection method: clinical testing. Allele origin: germline.
Comment: For these reasons, this variant has been classified as Pathogenic. This variant has not been reported in the literature in individuals affected with NF1-related conditions. This variant is not present in population databases (gnomAD no frequency). This sequence change creates a premature translational stop signal (p.Leu2048*) in the NF1 gene. It is expected to result in an absent or disrupted protein product. Loss-of-function variants in NF1 are known to be pathogenic (PMID: 10712197, 23913538).

Literature cited by the submitters: PubMed 10712197 (cited by Labcorp Genetics (formerly Invitae), Labcorp); PubMed 23913538 (cited by Labcorp Genetics (formerly Invitae), Labcorp).

NM_001042492.3(NF1):c.6206T>A (p.Leu2069Ter)

Gene: NF1 (neurofibromin 1; plus strand). Cytogenetic location: 17q11.2.
Variant type: single nucleotide variant.
Coding change: c.6206T>A on transcript NM_001042492.3 (MANE Select); coding-DNA position 6206, T replaced by A.
Protein change: p.Leu2069Ter; replaces leucine 2069 with a stop codon.
Molecular consequence: nonsense.
Genome position (GRCh38, 1-based): chr17:31,336,693, T>A. VCF-style: chr17-31336693-T-A. GRCh37 (hg19) VCF-style: chr17-29663711-T-A.
Other names: c.6143T>A, p.Leu2048Ter (NM_000267.4); short protein forms L2069*, L2048*.
Identifiers: ClinVar variation 2823957 (VCV002823957.4), dbSNP rs2151554452, ClinGen allele CA399011883.